The following is an entry in ClinVar:

NM_206933.4(USH2A):c.3532C>A (p.Pro1178Thr)

Genes: USH2A (usherin; minus strand), USH2A-AS1 (USH2A antisense RNA 1; plus strand). Cytogenetic location: 1q41.
Variant type: single nucleotide variant.
Coding change: c.3532C>A on transcript NM_206933.4 (MANE Select); coding-DNA position 3532, C replaced by A.
Protein change: p.Pro1178Thr; replaces proline 1178 with threonine.
Molecular consequence: missense variant.
Genome position (GRCh38, 1-based): chr1:216,199,906, G>T on the plus strand (C>A on the coding strand, the complement: USH2A is on the minus strand). VCF-style: chr1-216199906-G-T. GRCh37 (hg19) VCF-style: chr1-216373248-G-T.
Other names: c.3532C>A, p.Pro1178Thr (NM_007123.6); short protein forms P1178T.
Identifiers: ClinVar variation 1359158 (VCV001359158.6), dbSNP rs372081834, ClinGen allele CA37504813.

ClinVar aggregate classification (germline): Uncertain significance (1 of 4 stars; one submission).

gnomAD v4.1: 20 of 1,613,988 alleles (0.0012%); highest among the groups gnomAD compares: African/African-American, 0.012%; no homozygotes.

Submission:

Labcorp Genetics (formerly Invitae), Labcorp
Classification: Uncertain significance. Last evaluated: 2022-09-27. Review status: criteria provided, single submitter. Criteria: Invitae Variant Classification Sherloc (09022015). Collection method: clinical testing. Allele origin: germline.
Comment: This sequence change replaces proline, which is neutral and non-polar, with threonine, which is neutral and polar, at codon 1178 of the USH2A protein (p.Pro1178Thr). This variant is not present in population databases (gnomAD no frequency). This variant has not been reported in the literature in individuals affected with USH2A-related conditions. ClinVar contains an entry for this variant (Variation ID: 1359158). Advanced modeling of protein sequence and biophysical properties (such as structural, functional, and spatial information, amino acid conservation, physicochemical variation, residue mobility, and thermodynamic stability) has been performed at Invitae for this missense variant, however the output from this modeling did not meet the statistical confidence thresholds required to predict the impact of this variant on USH2A protein function. In summary, the available evidence is currently insufficient to determine the role of this variant in disease. Therefore, it has been classified as a Variant of Uncertain Significance.